The following is an entry in ClinVar:

NM_006767.4(LZTR1):c.998G>A (p.Gly333Asp)

Gene: LZTR1 (leucine zipper like post translational regulator 1; plus strand). Cytogenetic location: 22q11.21.
Variant type: single nucleotide variant.
Coding change: c.998G>A on transcript NM_006767.4 (MANE Select); coding-DNA position 998, G replaced by A.
Protein change: p.Gly333Asp; replaces glycine 333 with aspartic acid.
Molecular consequence: missense variant.
Genome position (GRCh38, 1-based): chr22:20,992,218, G>A. VCF-style: chr22-20992218-G-A. GRCh37 (hg19) VCF-style: chr22-21346507-G-A.
Other names: short protein forms G333D.
Identifiers: ClinVar variation 1768821 (VCV001768821.7), dbSNP rs978505307, ClinGen allele CA322327775.

ClinVar aggregate classification (germline): Uncertain significance. Review status: criteria provided, multiple submitters, no conflicts (2 of 4 stars). 2 submissions from 2 submitters: Uncertain significance (2). Last evaluated 2025-12-18.

Conditions:
Cardiovascular phenotype. Identifiers: MedGen CN230736.
Hereditary cancer-predisposing syndrome. Also called: Hereditary Cancer Syndrome; Hereditary neoplastic syndrome; Neoplastic Syndromes, Hereditary; Tumor predisposition. Identifiers: Orphanet 140162, MedGen C0027672, MeSH D009386, MONDO:0015356.

Allele frequency attached by ClinVar (database versions not stated): gnomAD 0.00001.
gnomAD v4.1: 1 of 1,613,102 alleles (0.000062%); highest among the groups gnomAD compares: African/African-American, 0.0013%; no homozygotes.

Submissions (2):

Labcorp Genetics (formerly Invitae), Labcorp
Classification: Uncertain significance. Last evaluated: 2025-12-18. Review status: criteria provided, single submitter. Criteria: Invitae Variant Classification Sherloc (09022015). Collection method: clinical testing. Allele origin: germline.
Comment: This sequence change replaces glycine, which is neutral and non-polar, with aspartic acid, which is acidic and polar, at codon 333 of the LZTR1 protein (p.Gly333Asp). This variant is not present in population databases (gnomAD no frequency). This variant has not been reported in the literature in individuals affected with LZTR1-related conditions. ClinVar contains an entry for this variant (Variation ID: 1768821). Invitae Evidence Modeling of protein sequence and biophysical properties (such as structural, functional, and spatial information, amino acid conservation, physicochemical variation, residue mobility, and thermodynamic stability) indicates that this missense variant is not expected to disrupt LZTR1 protein function with a negative predictive value of 80%. In summary, the available evidence is currently insufficient to determine the role of this variant in disease. Therefore, it has been classified as a Variant of Uncertain Significance.

Ambry Genetics
Classification: Uncertain significance for Cardiovascular phenotype; Hereditary cancer-predisposing syndrome. Last evaluated: 2022-03-29. Review status: criteria provided, single submitter. Criteria: Ambry Variant Classification Scheme 2023. Collection method: clinical testing. Allele origin: germline.
Comment: The p.G333D variant (also known as c.998G>A), located in coding exon 10 of the LZTR1 gene, results from a G to A substitution at nucleotide position 998. The glycine at codon 333 is replaced by aspartic acid, an amino acid with similar properties. This amino acid position is conserved. In addition, this alteration is predicted to be tolerated by in silico analysis. Since supporting evidence is limited at this time, the clinical significance of this alteration remains unclear.